The following is an entry in ClinVar:

ClinVar aggregate classification (germline): Uncertain significance. Review status: criteria provided, single submitter (1 of 4 stars). 2 submissions from 2 submitters: Uncertain significance (1). 1 of the submissions does not count toward it. Last evaluated 2024-09-06.

Conditions:
Renal cell carcinoma. Identifiers: Orphanet 217071, MedGen C0007134, MeSH D002292, MONDO:0005086, HP:0005584.

Submissions (2):

Labcorp Genetics (formerly Invitae), Labcorp
Classification: Uncertain significance for Renal cell carcinoma. Last evaluated: 2024-09-06. Review status: criteria provided, single submitter. Criteria: Invitae Variant Classification Sherloc (09022015). Collection method: clinical testing. Allele origin: germline.
Comment: This sequence change falls in intron 3 of the MET gene. It does not directly change the encoded amino acid sequence of the MET protein. It affects a nucleotide within the consensus splice site. This variant is not present in population databases (gnomAD no frequency). This variant has not been reported in the literature in individuals affected with MET-related conditions. ClinVar contains an entry for this variant (Variation ID: 41619). Variants that disrupt the consensus splice site are a relatively common cause of aberrant splicing (PMID: 17576681, 9536098). Algorithms developed to predict the effect of sequence changes on RNA splicing suggest that this variant is not likely to affect RNA splicing. In summary, the available evidence is currently insufficient to determine the role of this variant in disease. Therefore, it has been classified as a Variant of Uncertain Significance.

Biesecker Lab/Clinical Genomics Section, National Institutes of Health
Classification: Uncertain significance. Last evaluated: 2012-07-13. Review status: no assertion criteria provided. Collection method: research. Allele origin: germline. Affected: no. Observed: 1 variant allele. Study: ClinSeq. Not counted in ClinVar's aggregate classification.
ClinVar note: Converted during submission from variant of unknown significance to Uncertain significance.

Literature cited by the submitters: PubMed 17576681 (cited by Labcorp Genetics (formerly Invitae), Labcorp); PubMed 9536098 (cited by Labcorp Genetics (formerly Invitae), Labcorp).

NM_000245.4(MET):c.1392+5G>A

Gene: MET (MET proto-oncogene, receptor tyrosine kinase; plus strand). Cytogenetic location: 7q31.2.
Variant type: single nucleotide variant.
Coding change: c.1392+5G>A on transcript NM_000245.4 (MANE Select); 5 bases into the intron after coding-DNA position 1392, G replaced by A.
Molecular consequence: intron variant.
Genome position (GRCh38, 1-based): chr7:116,731,864, G>A. VCF-style: chr7-116731864-G-A. GRCh37 (hg19) VCF-style: chr7-116371918-G-A.
Other names: c.1392+5G>A (NM_001127500.3, NM_001324401.3); c.102+5G>A (NM_001324402.2).
Identifiers: ClinVar variation 41619 (VCV000041619.8), dbSNP rs386833405, ClinGen allele CA215644.